The following is an entry in ClinVar:

ClinVar aggregate classification (germline): Uncertain significance (1 of 4 stars; one submission).

Submission:

Dasa
Classification: Uncertain significance. Last evaluated: 2026-07-03. Review status: criteria provided, single submitter. Criteria: DASA Assertion Criteria. Collection method: clinical testing. Allele origin: germline.
Comment: NM_001356.5(DDX3X):c.1802A>C (p.Asp601Ala) is a missense variant that results in the substitution of aspartic acid with alanine. This variant is rare in population databases. The currently available literature and clinical evidence are not sufficient to establish a definitive association between this variant and the reported condition. Therefore, this variant is classified as a variant of uncertain significance.

NM_001356.5(DDX3X):c.1802A>C (p.Asp601Ala)

Gene: DDX3X (DEAD-box helicase 3 X-linked; plus strand). Cytogenetic location: Xp11.4.
Variant type: single nucleotide variant.
Coding change: c.1802A>C on transcript NM_001356.5 (MANE Select); coding-DNA position 1802, A replaced by C.
Protein change: p.Asp601Ala; replaces aspartic acid 601 with alanine.
Molecular consequence: missense variant. On other transcripts: non-coding transcript variant (1).
Genome position (GRCh38, 1-based): chrX:41,347,344, A>C. VCF-style: chrX-41347344-A-C. GRCh37 (hg19) VCF-style: chrX-41206597-A-C.
Other names: c.1241A>C, p.Asp414Ala (NM_001363819.1); c.1799A>C, p.Asp600Ala (NM_001193416.3); c.1754A>C, p.Asp585Ala (NM_001193417.3); short protein forms D414A, D585A, D600A, D601A.
Identifiers: ClinVar variation 5020270 (VCV005020270.1).